The following is an entry in ClinVar:

NM_001111.5(ADAR):c.1249A>G (p.Ile417Val)

Gene: ADAR (adenosine deaminase RNA specific; minus strand). Cytogenetic location: 1q21.3.
Variant type: single nucleotide variant.
Coding change: c.1249A>G on transcript NM_001111.5 (MANE Select); coding-DNA position 1249, A replaced by G.
Protein change: p.Ile417Val; replaces isoleucine 417 with valine.
Molecular consequence: missense variant.
Genome position (GRCh38, 1-based): chr1:154,601,393, T>C on the plus strand (A>G on the coding strand, the complement: ADAR is on the minus strand). VCF-style: chr1-154601393-T-C. GRCh37 (hg19) VCF-style: chr1-154573869-T-C.
Other names: c.364A>G, p.Ile122Val (NM_001025107.3, NM_001193495.2, NM_001365046.1 and 3 more transcripts); c.1276A>G, p.Ile426Val (NM_001365045.1); c.1249A>G, p.Ile417Val (NM_015840.4, NM_015841.4); short protein forms I122V, I417V, I426V.
Identifiers: ClinVar variation 3751231 (VCV003751231.2).

ClinVar aggregate classification (germline): Uncertain significance (1 of 4 stars; one submission).

Conditions:
Symmetrical dyschromatosis of extremities (DSH). Also called: DYSCHROMATOSIS SYMMETRICA HEREDITARIA 1; RETICULATE ACROPIGMENTATION OF DOHI; SYMMETRIC DYSCHROMATOSIS OF THE EXTREMITIES; Dyschromatosis symmetrica hereditaria. Identifiers: Orphanet 41, MedGen C0406775, MONDO:0007483, OMIM 127400.
Aicardi-Goutieres syndrome 6 (AGS6). Identifiers: Orphanet 51, MedGen C3539013, MONDO:0014007, OMIM 615010.

Submission:

Labcorp Genetics (formerly Invitae), Labcorp
Classification: Uncertain significance for Aicardi-Goutieres syndrome 6; Symmetrical dyschromatosis of extremities. Last evaluated: 2024-12-16. Review status: criteria provided, single submitter. Criteria: Invitae Variant Classification Sherloc (09022015). Collection method: clinical testing. Allele origin: germline.
Comment: This sequence change replaces isoleucine, which is neutral and non-polar, with valine, which is neutral and non-polar, at codon 417 of the ADAR protein (p.Ile417Val). This variant is not present in population databases (gnomAD no frequency). This variant has not been reported in the literature in individuals affected with ADAR-related conditions. Invitae Evidence Modeling of protein sequence and biophysical properties (such as structural, functional, and spatial information, amino acid conservation, physicochemical variation, residue mobility, and thermodynamic stability) indicates that this missense variant is not expected to disrupt ADAR protein function with a negative predictive value of 80%. In summary, the available evidence is currently insufficient to determine the role of this variant in disease. Therefore, it has been classified as a Variant of Uncertain Significance.